The following is an entry in ClinVar:

NM_000257.4(MYH7):c.346-4C>G

Gene: MYH7 (myosin heavy chain 7; minus strand). Cytogenetic location: 14q11.2.
Variant type: single nucleotide variant.
Coding change: c.346-4C>G on transcript NM_000257.4 (MANE Select); 4 bases into the intron before coding-DNA position 346, C replaced by G.
Molecular consequence: intron variant.
Genome position (GRCh38, 1-based): chr14:23,432,799, G>C on the plus strand (C>G on the coding strand, the complement: MYH7 is on the minus strand). VCF-style: chr14-23432799-G-C. GRCh37 (hg19) VCF-style: chr14-23902008-G-C.
Identifiers: ClinVar variation 1332167 (VCV001332167.7), dbSNP rs1470520864, ClinGen allele CA613318119.

ClinVar aggregate classification (germline): Conflicting classifications of pathogenicity. Review status: criteria provided, conflicting classifications (1 of 4 stars). 2 submissions from 2 submitters: Uncertain significance (1); Likely benign (1). Last evaluated 2022-10-10.

Conditions:
Hypertrophic cardiomyopathy. Also called: HYPERTROPHIC MYOCARDIOPATHY. Identifiers: Orphanet 217569, MedGen C0007194, MeSH D002312, MONDO:0005045, HP:0001639.
Cardiomyopathy (CMYO). Also called: Cardiomyopathies. Identifiers: Orphanet 167848, MedGen C0878544, MONDO:0004994, HP:0001638. Inheritance: Various modes of inheritance.

Allele frequency attached by ClinVar (database versions not stated): gnomAD exomes below 0.00001.
gnomAD v4.1: 2 of 1,614,166 alleles (0.00012%); highest among the groups gnomAD compares: South Asian, 0.0022%; no homozygotes.

Submissions (2):

Labcorp Genetics (formerly Invitae), Labcorp
Classification: Likely benign for Hypertrophic cardiomyopathy. Last evaluated: 2022-10-10. Review status: criteria provided, single submitter. Criteria: Invitae Variant Classification Sherloc (09022015). Collection method: clinical testing. Allele origin: germline.

Color Diagnostics, LLC DBA Color Health
Classification: Uncertain significance for Cardiomyopathy. Last evaluated: 2021-05-03. Review status: criteria provided, single submitter. Criteria: ACMG Guidelines, 2015. Collection method: clinical testing. Allele origin: germline.
Comment: This variant causes a C to G nucleotide substitution at the -4 position of intron 4 of the MYH7 gene. Splice prediction tools and conservation analysis are inconclusive regarding the impact of this variant on RNA splicing. To our knowledge, functional studies have not been reported for this variant. This variant has not been reported in individuals affected with cardiovascular disorders in the literature. This variant has been identified in 1/251104 chromosomes in the general population by the Genome Aggregation Database (gnomAD). The available evidence is insufficient to determine the role of this variant in disease conclusively. Therefore, this variant is classified as a Variant of Uncertain Significance.